The following is an entry in ClinVar:

ClinVar aggregate classification (germline): Benign. Review status: criteria provided, multiple submitters, no conflicts (2 of 4 stars). 2 submissions from 2 submitters: Benign (2). Last evaluated 2018-06-19.

Allele frequency attached by ClinVar (database versions not stated): 1000 Genomes Project 30x 0.11368; 1000 Genomes Project 0.11861; TOPMed 0.12055; gnomAD 0.12846 and 0.13323.

Submissions (2):

GeneDx
Classification: Benign. Last evaluated: 2018-06-19. Review status: criteria provided, single submitter. Criteria: GeneDx Variant Classification (06012015). Collection method: clinical testing. Allele origin: germline. Affected: yes.
Comment: This variant is considered likely benign or benign based on one or more of the following criteria: it is a conservative change, it occurs at a poorly conserved position in the protein, it is predicted to be benign by multiple in silico algorithms, and/or has population frequency not consistent with disease.

Breakthrough Genomics
Classification: Benign. Review status: criteria provided, single submitter. Criteria: ACMG Guidelines, 2015. Collection method: not provided. Allele origin: germline. Inheritance: Autosomal recessive inheritance. Affected: yes.

NM_000083.3(CLCN1):c.2365-114A>G

Gene: CLCN1 (chloride voltage-gated channel 1; plus strand). Cytogenetic location: 7q34.
Variant type: single nucleotide variant.
Coding change: c.2365-114A>G on transcript NM_000083.3 (MANE Select); 114 bases into the intron before coding-DNA position 2365, A replaced by G.
Molecular consequence: intron variant.
Genome position (GRCh38, 1-based): chr7:143,346,797, A>G. VCF-style: chr7-143346797-A-G. GRCh37 (hg19) VCF-style: chr7-143043890-A-G.
Identifiers: ClinVar variation 680259 (VCV000680259.2), dbSNP rs2242491, ClinGen allele CA12599829.